The following is an entry in ClinVar:

NM_175914.5(HNF4A):c.-79C>T

Gene: HNF4A (hepatocyte nuclear factor 4 alpha; plus strand). Cytogenetic location: 20q13.12.
Variant type: single nucleotide variant.
Coding change: c.-79C>T on transcript NM_175914.5 (MANE Select); 79 bases upstream of the start codon, C replaced by T.
Molecular consequence: 5 prime UTR variant.
Genome position (GRCh38, 1-based): chr20:44,355,726, C>T. VCF-style: chr20-44355726-C-T. GRCh37 (hg19) VCF-style: chr20-42984366-C-T.
Other names: c.-79C>T (NM_001030003.3, NM_001030004.3); c.-310C>T (NM_001287182.2, NM_001287183.2, NM_001287184.2).
Identifiers: ClinVar variation 1442643 (VCV001442643.9), dbSNP rs373143621, ClinGen allele CA315390599.
Genomic context (GRCh38, chr20:44,355,726, plus strand): 5'-ATCAATAAGATAACCGGGCGGTGGCAGCTGGCCGCACTCACCGCCTTCCTGGTGGACGGG[C>T]TCCTGGTGGCTGTGCTGCTGCTGTGAGCGGGCCCCTGCTCCTCCATGCCCCCAGCTCTCC-3'

ClinVar aggregate classification (germline): Conflicting classifications of pathogenicity. Review status: criteria provided, conflicting classifications (1 of 4 stars). 3 submissions from 3 submitters: Uncertain significance (2); Likely benign (1). Last evaluated 2025-11-17.

Conditions:
Type 2 diabetes mellitus. Also called: Type II diabetes mellitus. Identifiers: MedGen C0011860, MeSH D003924, MONDO:0005148, OMIM 125853, HP:0005978.
Fanconi renotubular syndrome 4 with maturity-onset diabetes of the young (FRTS4). Also called: FRTS4 WITH MODY. Identifiers: Orphanet 93111, MedGen C4014962, MONDO:0014458, OMIM 616026.
Maturity-onset diabetes of the young type 1. Also called: MILD JUVENILE DIABETES MELLITUS; MODY type 1; Diabetes mellitus MODY type 1; MODY HNF4A related; HNF4A-Related Maturity-Onset Diabetes of the Young Type 1; MODY, type I. Identifiers: Orphanet 552, MedGen C1852093, MONDO:0007452, OMIM 125850. Disease mechanism: loss of function.

Allele frequency attached by ClinVar (database versions not stated): gnomAD 0.00001 and 0.00021; TOPMed 0.00008; gnomAD exomes 0.00042; 1000 Genomes Project 30x 0.00109; 1000 Genomes Project 0.00140.
gnomAD v4.1: 528 of 1,308,684 alleles (0.04%); highest among the groups gnomAD compares: South Asian, 0.47%; 6 homozygotes.

Submissions (3):

Labcorp Genetics (formerly Invitae), Labcorp
Classification: Uncertain significance. Last evaluated: 2025-11-17. Review status: criteria provided, single submitter. Criteria: Invitae Variant Classification Sherloc (09022015). Collection method: clinical testing. Allele origin: germline.
Comment: This variant occurs in a non-coding region of the HNF4A gene. It does not change the encoded amino acid sequence of the HNF4A protein. This variant is not present in population databases (gnomAD no frequency). This variant has been observed in individual(s) with HNF4A-related conditions, however it has also been observed in unaffected controls (PMID: 12242469, 21062274). ClinVar contains an entry for this variant (Variation ID: 1442643). Studies have shown that this variant does not significantly alter or has an unclear effect on HNF4A gene expression (PMID: 12242469). In summary, the available evidence is currently insufficient to determine the role of this variant in disease. Therefore, it has been classified as a Variant of Uncertain Significance.

GeneDx
Classification: Uncertain significance. Last evaluated: 2024-03-07. Review status: criteria provided, single submitter. Criteria: GeneDx Variant Classification Process June 2021. Collection method: clinical testing. Allele origin: germline. Affected: yes.
Comment: Observed in two unrelated individuals in published literature with maturity onset diabetes of the young (MODY); however, the variant did not segregate completely with the condition in the family of one proband and familial segregation information was not provided for the other proband (PMID: 12242469, 21062274); In-silico analysis and one published study are inconclusive as to whether the variant alters gene function (PMID: 12242469). In the absence of additional RNA/functional studies, the actual effect of this sequence change is unknown.; This variant is associated with the following publications: (PMID: 12242469, 23014256, 21062274)

Fulgent Genetics
Classification: Likely benign for Maturity-onset diabetes of the young type 1; Type 2 diabetes mellitus; Fanconi renotubular syndrome 4 with maturity-onset diabetes of the young. Last evaluated: 2024-02-07. Review status: criteria provided, single submitter. Criteria: ACMG Guidelines, 2015. Collection method: clinical testing. Allele origin: germline.

Literature cited by the submitters: PubMed 12242469 (cited by Labcorp Genetics (formerly Invitae), Labcorp); PubMed 21062274 (cited by Labcorp Genetics (formerly Invitae), Labcorp).